The following is an entry in ClinVar:

ClinVar aggregate classification (germline): Uncertain significance. Review status: criteria provided, multiple submitters, no conflicts (2 of 4 stars). 2 submissions from 2 submitters: Uncertain significance (2). Last evaluated 2024-03-06.

Conditions:
Cardiomyopathy (CMYO). Also called: Cardiomyopathies. Identifiers: Orphanet 167848, MedGen C0878544, MONDO:0004994, HP:0001638. Inheritance: Various modes of inheritance.
Catecholaminergic polymorphic ventricular tachycardia 1. Also called: VENTRICULAR TACHYCARDIA, CATECHOLAMINERGIC POLYMORPHIC, 1, WITH OR WITHOUT ATRIAL DYSFUNCTION AND/OR DILATED CARDIOMYOPATHY; RYR2-Related Catecholaminergic Polymorphic Ventricular Tachycardia; VENTRICULAR TACHYCARDIA, STRESS-INDUCED POLYMORPHIC 1. Identifiers: Orphanet 3286, MedGen C1631597, MONDO:0011484, OMIM 604772.

Submissions (2):

Color Diagnostics, LLC DBA Color Health
Classification: Uncertain significance for Cardiomyopathy. Last evaluated: 2024-03-06. Review status: criteria provided, single submitter. Criteria: ACMG Guidelines, 2015. Collection method: clinical testing. Allele origin: germline.
Comment: This missense variant replaces arginine with proline at codon 2920 of the RYR2 protein. Computational prediction tool suggests that this variant may have deleterious impact on protein structure and function (internally defined REVEL score threshold >=0.7, PMID: 27666373). Splice site prediction tools suggest that this variant may not impact RNA splicing. To our knowledge, functional studies have not been performed for this variant. This variant has not been reported in individuals affected with cardiovascular disorders in the literature. This variant has not been identified in the general population by the Genome Aggregation Database (gnomAD). The available evidence is insufficient to determine the role of this variant in disease conclusively. Therefore, this variant is classified as a Variant of Uncertain Significance.

Labcorp Genetics (formerly Invitae), Labcorp
Classification: Uncertain significance for Catecholaminergic polymorphic ventricular tachycardia 1. Last evaluated: 2020-02-25. Review status: criteria provided, single submitter. Criteria: Invitae Variant Classification Sherloc (09022015). Collection method: clinical testing. Allele origin: germline.
Comment: In summary, the available evidence is currently insufficient to determine the role of this variant in disease. Therefore, it has been classified as a Variant of Uncertain Significance. Algorithms developed to predict the effect of missense changes on protein structure and function (SIFT, PolyPhen-2, Align-GVGD) all suggest that this variant is likely to be disruptive, but these predictions have not been confirmed by published functional studies and their clinical significance is uncertain. This variant has not been reported in the literature in individuals with RYR2-related conditions. This variant is not present in population databases (ExAC no frequency). This sequence change replaces arginine with proline at codon 2920 of the RYR2 protein (p.Arg2920Pro). The arginine residue is highly conserved and there is a moderate physicochemical difference between arginine and proline.

NM_001035.3(RYR2):c.8759G>C (p.Arg2920Pro)

Gene: RYR2 (ryanodine receptor 2; plus strand). Cytogenetic location: 1q43.
Variant type: single nucleotide variant.
Coding change: c.8759G>C on transcript NM_001035.3 (MANE Select); coding-DNA position 8759, G replaced by C.
Protein change: p.Arg2920Pro; replaces arginine 2920 with proline.
Molecular consequence: missense variant.
Genome position (GRCh38, 1-based): chr1:237,674,775, G>C. VCF-style: chr1-237674775-G-C. GRCh37 (hg19) VCF-style: chr1-237838075-G-C.
Other names: short protein forms R2920P.
Identifiers: ClinVar variation 920486 (VCV000920486.52), dbSNP rs756302327, ClinGen allele CA345403286.